The following is an entry in ClinVar:

ClinVar aggregate classification (germline): Uncertain significance (1 of 4 stars; one submission).

Allele frequency attached by ClinVar (database versions not stated): ExAC 0.00001; gnomAD 0.00001; TOPMed 0.00001; gnomAD exomes 0.00002.
gnomAD v4.1: 37 of 1,613,962 alleles (0.0023%); highest among the groups gnomAD compares: Non-Finnish European, 0.003%; no homozygotes.

Submission:

Labcorp Genetics (formerly Invitae), Labcorp
Classification: Uncertain significance. Last evaluated: 2023-05-28. Review status: criteria provided, single submitter. Criteria: Invitae Variant Classification Sherloc (09022015). Collection method: clinical testing. Allele origin: germline.
Comment: In summary, the available evidence is currently insufficient to determine the role of this variant in disease. Therefore, it has been classified as a Variant of Uncertain Significance. Advanced modeling of protein sequence and biophysical properties (such as structural, functional, and spatial information, amino acid conservation, physicochemical variation, residue mobility, and thermodynamic stability) performed at Invitae indicates that this missense variant is not expected to disrupt TFRC protein function. This variant has not been reported in the literature in individuals affected with TFRC-related conditions. This variant is present in population databases (rs758284743, gnomAD 0.007%). This sequence change replaces threonine, which is neutral and polar, with alanine, which is neutral and non-polar, at codon 336 of the TFRC protein (p.Thr336Ala).

NM_001128148.3(TFRC):c.1006A>G (p.Thr336Ala)

Gene: TFRC (transferrin receptor; minus strand). Cytogenetic location: 3q29.
Variant type: single nucleotide variant.
Coding change: c.1006A>G on transcript NM_001128148.3 (MANE Select); coding-DNA position 1006, A replaced by G.
Protein change: p.Thr336Ala; replaces threonine 336 with alanine.
Molecular consequence: missense variant.
Genome position (GRCh38, 1-based): chr3:196,067,552, T>C on the plus strand (A>G on the coding strand, the complement: TFRC is on the minus strand). VCF-style: chr3-196067552-T-C. GRCh37 (hg19) VCF-style: chr3-195794423-T-C.
Other names: c.763A>G, p.Thr255Ala (NM_001313965.2); c.160A>G, p.Thr54Ala (NM_001313966.2); c.1006A>G, p.Thr336Ala (NM_003234.4); short protein forms T336A, T54A, T255A.
Identifiers: ClinVar variation 2801372 (VCV002801372.3), dbSNP rs758284743, ClinGen allele CA2778116.